The following is an entry in ClinVar:

NM_015662.3(IFT172):c.5018C>T (p.Ser1673Phe)

Genes: IFT172 (intraflagellar transport 172; minus strand), KRTCAP3 (keratinocyte associated protein 3; plus strand). Cytogenetic location: 2p23.3.
Variant type: single nucleotide variant.
Coding change: c.5018C>T on transcript NM_015662.3 (MANE Select); coding-DNA position 5018, C replaced by T.
Protein change: p.Ser1673Phe; replaces serine 1673 with phenylalanine.
Molecular consequence: missense variant. On other transcripts: intron variant (1).
Genome position (GRCh38, 1-based): chr2:27,445,346, G>A on the plus strand (C>T on the coding strand, the complement: IFT172 is on the minus strand). VCF-style: chr2-27445346-G-A. GRCh37 (hg19) VCF-style: chr2-27668213-G-A.
Other names: c.4952C>T, p.Ser1651Phe (NM_001410739.1); c.*6-955G>A (NM_001168364.2); short protein forms S1651F, S1673F.
Identifiers: ClinVar variation 2060654 (VCV002060654.4), dbSNP rs767672341, ClinGen allele CA1579388.

ClinVar aggregate classification (germline): Uncertain significance (1 of 4 stars; one submission).

Conditions:
Short-rib thoracic dysplasia 10 with or without polydactyly (SRTD10). Identifiers: Orphanet 474, MedGen C3810175, MONDO:0014284, OMIM 615630.
Retinitis pigmentosa 71 (RP71). Identifiers: Orphanet 791, MedGen C4225342, MONDO:0014618, OMIM 616394.

Allele frequency attached by ClinVar (database versions not stated): TOPMed below 0.00001; ExAC 0.00001; gnomAD 0.00001.
gnomAD v4.1: 1 of 1,613,354 alleles (0.000062%); highest among the groups gnomAD compares: African/African-American, 0.0013%; no homozygotes.

Submission:

Labcorp Genetics (formerly Invitae), Labcorp
Classification: Uncertain significance for Retinitis pigmentosa 71; Short-rib thoracic dysplasia 10 with or without polydactyly. Last evaluated: 2024-05-21. Review status: criteria provided, single submitter. Criteria: Invitae Variant Classification Sherloc (09022015). Collection method: clinical testing. Allele origin: germline.
Comment: This sequence change replaces serine, which is neutral and polar, with phenylalanine, which is neutral and non-polar, at codon 1673 of the IFT172 protein (p.Ser1673Phe). This variant is present in population databases (rs767672341, gnomAD 0.0009%). This variant has not been reported in the literature in individuals affected with IFT172-related conditions. ClinVar contains an entry for this variant (Variation ID: 2060654). Advanced modeling of protein sequence and biophysical properties (such as structural, functional, and spatial information, amino acid conservation, physicochemical variation, residue mobility, and thermodynamic stability) performed at Invitae indicates that this missense variant is expected to disrupt IFT172 protein function with a positive predictive value of 80%. In summary, the available evidence is currently insufficient to determine the role of this variant in disease. Therefore, it has been classified as a Variant of Uncertain Significance.